The following is an entry in ClinVar:

ClinVar aggregate classification (germline): Conflicting classifications of pathogenicity. Review status: criteria provided, conflicting classifications (1 of 4 stars). 4 submissions from 4 submitters: Likely pathogenic (1); Uncertain significance (2). 1 of the submissions does not count toward it. Last evaluated 2024-11-11.

Conditions:
Mitochondrial hypertrophic cardiomyopathy with lactic acidosis due to MTO1 deficiency. Also called: Combined oxidative phosphorylation deficiency 10; CARDIOMYOPATHY, INFANTILE HYPERTROPHIC MITOCHONDRIAL, AND LACTIC ACIDOSIS. Identifiers: Orphanet 314637, MedGen C4749921, MONDO:0013865, OMIM 614702.
MTO1-related disorder. Also called: MTO1-related condition.

Allele frequency attached by ClinVar (database versions not stated): gnomAD exomes below 0.00001 and 0.00001; ExAC 0.00001; gnomAD 0.00001 and 0.00002; TOPMed 0.00002.
gnomAD v4.1: 14 of 1,613,988 alleles (0.00087%); highest among the groups gnomAD compares: East Asian, 0.0022%; no homozygotes.

Submissions (4):

GeneDx
Classification: Uncertain significance. Last evaluated: 2024-11-11. Review status: criteria provided, single submitter. Criteria: GeneDx Variant Classification Process June 2021. Collection method: clinical testing. Allele origin: germline. Affected: yes.
Comment: Reported in a child with metabolic encephalopathy who had another variant in the MTO1 gene on the opposite allele (PMID: 34547275); Not observed at significant frequency in large population cohorts (gnomAD); In silico analysis supports that this missense variant has a deleterious effect on protein structure/function; This variant is associated with the following publications: (PMID: YanhongY2022[CaseReport], 37240454, 34547275, 35982159, 33057194)

Blueprint Genetics
Classification: Likely pathogenic for MTO1-related disorders. Last evaluated: 2023-12-19. Review status: criteria provided, single submitter. Criteria: ACMG Guidelines, 2015. Collection method: clinical testing. Allele origin: germline. Affected: yes. Observed: 1 variant allele.

Labcorp Genetics (formerly Invitae), Labcorp
Classification: Uncertain significance for Mitochondrial hypertrophic cardiomyopathy with lactic acidosis due to MTO1 deficiency. Last evaluated: 2022-09-01. Review status: criteria provided, single submitter. Criteria: Invitae Variant Classification Sherloc (09022015). Collection method: clinical testing. Allele origin: germline.
Comment: This sequence change replaces threonine, which is neutral and polar, with methionine, which is neutral and non-polar, at codon 352 of the MTO1 protein (p.Thr352Met). This variant is present in population databases (rs775003861, gnomAD 0.003%). This variant has not been reported in the literature in individuals affected with MTO1-related conditions. ClinVar contains an entry for this variant (Variation ID: 996115). Algorithms developed to predict the effect of missense changes on protein structure and function are either unavailable or do not agree on the potential impact of this missense change (SIFT: "Deleterious"; PolyPhen-2: "Probably Damaging"; Align-GVGD: "Class C0"). In summary, the available evidence is currently insufficient to determine the role of this variant in disease. Therefore, it has been classified as a Variant of Uncertain Significance.

Department of Medical Laboratory, Affiliated Hospital of Southwest Medical University
Classification: Uncertain significance for Mitochondrial hypertrophic cardiomyopathy with lactic acidosis due to MTO1 deficiency. Review status: no assertion criteria provided. Collection method: clinical testing. Allele origin: inherited. Affected: yes. Not counted in ClinVar's aggregate classification.

NM_012123.4(MTO1):c.1055C>T (p.Thr352Met)

Gene: MTO1 (mitochondrial tRNA translation optimization 1; plus strand). Cytogenetic location: 6q13.
Variant type: single nucleotide variant.
Coding change: c.1055C>T on transcript NM_012123.4 (MANE Select); coding-DNA position 1055, C replaced by T.
Protein change: p.Thr352Met; replaces threonine 352 with methionine.
Molecular consequence: missense variant.
Genome position (GRCh38, 1-based): chr6:73,480,052, C>T. VCF-style: chr6-73480052-C-T. GRCh37 (hg19) VCF-style: chr6-74189775-C-T.
Other names: c.1055C>T, p.Thr352Met (NM_001123226.2, NM_133645.3); c.1055C>T (NM_012123.3); short protein forms T352M.
Identifiers: ClinVar variation 996115 (VCV000996115.7), dbSNP rs775003861, ClinGen allele CA3889510.